The following is an entry in ClinVar:

NM_020822.3(KCNT1):c.1337+198T>C

Gene: KCNT1 (potassium sodium-activated channel subfamily T member 1; plus strand). Cytogenetic location: 9q34.3.
Variant type: single nucleotide variant.
Coding change: c.1337+198T>C on transcript NM_020822.3 (MANE Select); 198 bases into the intron after coding-DNA position 1337, T replaced by C.
Molecular consequence: intron variant.
Genome position (GRCh38, 1-based): chr9:135,765,958, T>C. VCF-style: chr9-135765958-T-C. GRCh37 (hg19) VCF-style: chr9-138657804-T-C.
Other names: c.1202+198T>C (NM_001272003.2).
Identifiers: ClinVar variation 677376 (VCV000677376.1), dbSNP rs10118323, ClinGen allele CA201465941.
Genomic context (GRCh38, chr9:135,765,958, plus strand): 5'-CCATCTAGGTGGACTGTCCAGGGTGGATCGTCCGGGGTGGACCATTTAGGGTGGATCGTC[T>C]GGGGTGGACCATTCAGGGTGGACCTTCTGGGATGGACCATTTAGGTGGACCATACAGGGT-3'

ClinVar aggregate classification (germline): Benign (1 of 4 stars; one submission).

Allele frequency attached by ClinVar (database versions not stated): gnomAD 0.01495 and 0.01612; 1000 Genomes Project 0.01657; TOPMed 0.01724.
gnomAD v4.1: 2,252 of 151,676 alleles (1.5%); highest among the groups gnomAD compares: African/African-American, 4.9%; 57 homozygotes.

Submission:

GeneDx
Classification: Benign. Last evaluated: 2018-06-14. Review status: criteria provided, single submitter. Criteria: GeneDx Variant Classification (06012015). Collection method: clinical testing. Allele origin: germline. Affected: yes.
Comment: This variant is considered likely benign or benign based on one or more of the following criteria: it is a conservative change, it occurs at a poorly conserved position in the protein, it is predicted to be benign by multiple in silico algorithms, and/or has population frequency not consistent with disease.